The following is an entry in ClinVar:

ClinVar aggregate classification (germline): Uncertain significance. Review status: criteria provided, multiple submitters, no conflicts (2 of 4 stars). 2 submissions from 2 submitters: Uncertain significance (2). Last evaluated 2025-02-25.

Conditions:
Inborn genetic diseases. Identifiers: MedGen C0950123, MeSH D030342.

Submissions (2):

Labcorp Genetics (formerly Invitae), Labcorp
Classification: Uncertain significance. Last evaluated: 2025-02-25. Review status: criteria provided, single submitter. Criteria: Invitae Variant Classification Sherloc (09022015). Collection method: clinical testing. Allele origin: germline.
Comment: This sequence change replaces proline, which is neutral and non-polar, with serine, which is neutral and polar, at codon 11 of the FOXF1 protein (p.Pro11Ser). This variant is present in population databases (rs758526963, gnomAD 0.03%). This variant has not been reported in the literature in individuals affected with FOXF1-related conditions. ClinVar contains an entry for this variant (Variation ID: 3279578). An algorithm developed to predict the effect of missense changes on protein structure and function (PolyPhen-2) suggests that this variant is likely to be tolerated. In summary, the available evidence is currently insufficient to determine the role of this variant in disease. Therefore, it has been classified as a Variant of Uncertain Significance.

Ambry Genetics
Classification: Uncertain significance for Inborn genetic diseases. Last evaluated: 2024-03-28. Review status: criteria provided, single submitter. Criteria: Ambry Variant Classification Scheme 2023. Collection method: clinical testing. Allele origin: germline.

NM_001451.3(FOXF1):c.31C>T (p.Pro11Ser)

Gene: FOXF1 (forkhead box F1; plus strand). Cytogenetic location: 16q24.1.
Variant type: single nucleotide variant.
Coding change: c.31C>T on transcript NM_001451.3 (MANE Select); coding-DNA position 31, C replaced by T.
Protein change: p.Pro11Ser; replaces proline 11 with serine.
Molecular consequence: missense variant.
Genome position (GRCh38, 1-based): chr16:86,510,600, C>T. VCF-style: chr16-86510600-C-T. GRCh37 (hg19) VCF-style: chr16-86544206-C-T.
Other names: short protein forms P11S.
Identifiers: ClinVar variation 3279578 (VCV003279578.2).
Genomic context (GRCh38, chr16:86,510,600, plus strand): 5'-GGCAGCGGCGGCGGCGGCAGCAGCCACCCGATGTCTTCGGCGCCCGAGAAGCAGCAGCCA[C>T]CGCACGGCGGCGGCGGCGGCGGCGGCGGGGGAGGCGGCGCGGCCATGGACCCCGCGTCGT-3'
Protein context (NP_001442.2, residues 1-21): MSSAPEKQQP[Pro11Ser]HGGGGGGGGG